The following is an entry in ClinVar:

ClinVar aggregate classification (germline): Uncertain significance (1 of 4 stars; one submission).

Conditions:
Encephalopathy, acute, infection-induced (herpes-specific), susceptibility to, 1. Also called: Herpes simplex encephalitis, susceptibility to, 1. Identifiers: Orphanet 1930, MedGen C2750180, MONDO:0024563, OMIM 610551.

Allele frequency attached by ClinVar (database versions not stated): gnomAD exomes below 0.00001; ExAC 0.00001.

Submission:

Labcorp Genetics (formerly Invitae), Labcorp
Classification: Uncertain significance for Encephalopathy, acute, infection-induced (herpes-specific), susceptibility to, 1. Last evaluated: 2022-08-23. Review status: criteria provided, single submitter. Criteria: Invitae Variant Classification Sherloc (09022015). Collection method: clinical testing. Allele origin: germline.
Comment: Experimental studies and prediction algorithms are not available or were not evaluated, and the functional significance of this variant is currently unknown. This sequence change replaces glycine, which is neutral and non-polar, with glutamic acid, which is acidic and polar, at codon 266 of the UNC93B1 protein (p.Gly266Glu). This variant is present in population databases (rs752295686, gnomAD 0.0009%). This variant has not been reported in the literature in individuals affected with UNC93B1-related conditions. In summary, the available evidence is currently insufficient to determine the role of this variant in disease. Therefore, it has been classified as a Variant of Uncertain Significance.

NM_030930.4(UNC93B1):c.797G>A (p.Gly266Glu)

Gene: UNC93B1 (unc-93B1 regulator of TLR signaling; minus strand). Cytogenetic location: 11q13.2.
Variant type: single nucleotide variant.
Coding change: c.797G>A on transcript NM_030930.4 (MANE Select); coding-DNA position 797, G replaced by A.
Protein change: p.Gly266Glu; replaces glycine 266 with glutamic acid.
Molecular consequence: missense variant.
Genome position (GRCh38, 1-based): chr11:67,997,784, C>T on the plus strand (G>A on the coding strand, the complement: UNC93B1 is on the minus strand). VCF-style: chr11-67997784-C-T. GRCh37 (hg19) VCF-style: chr11-67765254-C-T.
Other names: short protein forms G266E.
Identifiers: ClinVar variation 2072890 (VCV002072890.4), dbSNP rs752295686, ClinGen allele CA6145503.
Genomic context (GRCh38, chr11:67,997,784, plus strand): 5'-ATGAGGTTTCCGCTCCGCGGGAGCGTCCGCAGAACCGTCTTGTTGAAGCCGCTGAGGATC[C>T]CGTGGCTGTTGGTGCCTGGGAAGGGTGGGGGTGAGGGCACCGTGAGCAGAGAGTAGGGCA-3'
Protein context (NP_112192.2, residues 256-276): NVQSCGTNSH[Gly266Glu]ILSGFNKTVL